The following is an entry in ClinVar:

ClinVar aggregate classification (germline): Uncertain significance. Review status: criteria provided, multiple submitters, no conflicts (2 of 4 stars). 2 submissions from 2 submitters: Uncertain significance (2). Last evaluated 2025-04-10.

Conditions:
Inborn genetic diseases. Identifiers: MedGen C0950123, MeSH D030342.

gnomAD v4.1: 1 of 1,613,564 alleles (0.000062%); highest among the groups gnomAD compares: Non-Finnish European, 0.000085%; no homozygotes.

Submissions (2):

Labcorp Genetics (formerly Invitae), Labcorp
Classification: Uncertain significance. Last evaluated: 2025-04-10. Review status: criteria provided, single submitter. Criteria: Invitae Variant Classification Sherloc (09022015). Collection method: clinical testing. Allele origin: germline.
Comment: This sequence change replaces arginine, which is basic and polar, with threonine, which is neutral and polar, at codon 1485 of the ANKRD26 protein (p.Arg1485Thr). This variant is not present in population databases (gnomAD no frequency). This variant has not been reported in the literature in individuals affected with ANKRD26-related conditions. An algorithm developed to predict the effect of missense changes on protein structure and function (PolyPhen-2) suggests that this variant is likely to be disruptive. In summary, the available evidence is currently insufficient to determine the role of this variant in disease. Therefore, it has been classified as a Variant of Uncertain Significance.

Ambry Genetics
Classification: Uncertain significance for Inborn genetic diseases. Last evaluated: 2025-02-28. Review status: criteria provided, single submitter. Criteria: Ambry Variant Classification Scheme 2023. Collection method: clinical testing. Allele origin: germline.
Comment: The p.R1485T variant (also known as c.4454G>C), located in coding exon 30 of the ANKRD26 gene, results from a G to C substitution at nucleotide position 4454. The arginine at codon 1485 is replaced by threonine, an amino acid with similar properties. This amino acid position is conserved. In addition, this alteration is predicted to be tolerated by in silico analysis. Based on the available evidence, the clinical significance of this variant remains unclear.

NM_014915.3(ANKRD26):c.4454G>C (p.Arg1485Thr)

Gene: ANKRD26 (ankyrin repeat domain 26; minus strand). Cytogenetic location: 10p12.1.
Variant type: single nucleotide variant.
Coding change: c.4454G>C on transcript NM_014915.3 (MANE Select); coding-DNA position 4454, G replaced by C.
Protein change: p.Arg1485Thr; replaces arginine 1485 with threonine.
Molecular consequence: missense variant.
Genome position (GRCh38, 1-based): chr10:27,017,554, C>G on the plus strand (G>C on the coding strand, the complement: ANKRD26 is on the minus strand). VCF-style: chr10-27017554-C-G. GRCh37 (hg19) VCF-style: chr10-27306483-C-G.
Other names: c.4451G>C, p.Arg1484Thr (NM_001256053.2); short protein forms R1485T, R1484T.
Identifiers: ClinVar variation 3871837 (VCV003871837.2).